The following is an entry in ClinVar:

NM_000535.7(PMS2):c.541T>A (p.Tyr181Asn)

Gene: PMS2 (PMS1 homolog 2, mismatch repair system component; minus strand). Cytogenetic location: 7p22.1.
Variant type: single nucleotide variant.
Coding change: c.541T>A on transcript NM_000535.7 (MANE Select); coding-DNA position 541, T replaced by A.
Protein change: p.Tyr181Asn; replaces tyrosine 181 with asparagine.
Molecular consequence: missense variant. On other transcripts: non-coding transcript variant (1), intron variant (3).
Genome position (GRCh38, 1-based): chr7:5,999,272, A>T on the plus strand (T>A on the coding strand, the complement: PMS2 is on the minus strand). VCF-style: chr7-5999272-A-T. GRCh37 (hg19) VCF-style: chr7-6038903-A-T.
Other names: c.136T>A, p.Tyr46Asn (NM_001322003.2, NM_001322004.2, NM_001322005.2 and 2 more transcripts); c.541T>A, p.Tyr181Asn (NM_001322006.2, NM_001322014.2); c.223T>A, p.Tyr75Asn (NM_001322007.2, NM_001322008.2); c.232T>A, p.Tyr78Asn (NM_001322015.2); c.133-1849T>A (NM_001322013.2); c.-347-46T>A (NM_001322012.2, NM_001322011.2); c.541T>A (NM_000535.5); short protein forms Y181N, Y46N, Y75N, Y78N.
Identifiers: ClinVar variation 1053478 (VCV001053478.9), dbSNP rs863224680, ClinGen allele CA366744131.
Genomic context (GRCh38, chr7:5,999,272, plus strand): 5'-TTACACGGATGCCTGCTGAAATGATACAGTATGCATGTAAGACCTGGACCATTTTGGCAT[A>T]CTCCTGTTTAAAAAACACAAACACAATATTCTACATTACTTTAATATTATAGGAATTACA-3'
Protein context (NP_000526.2, residues 171-191): KEFQRNIKKE[Tyr181Asn]AKMVQVLHAY

ClinVar aggregate classification (germline): Uncertain significance. Review status: criteria provided, multiple submitters, no conflicts (2 of 4 stars). 3 submissions from 3 submitters: Uncertain significance (3). Last evaluated 2025-02-03.

Conditions:
Hereditary nonpolyposis colorectal neoplasms. Identifiers: MedGen C0009405, MeSH D003123.
Hereditary cancer-predisposing syndrome. Also called: Tumor predisposition; Hereditary neoplastic syndrome; Hereditary Cancer Syndrome; Neoplastic Syndromes, Hereditary. Identifiers: Orphanet 140162, MedGen C0027672, MeSH D009386, MONDO:0015356.

Allele frequency attached by ClinVar (database versions not stated): gnomAD 0.00001.
gnomAD v4.1: 4 of 1,613,370 alleles (0.00025%); highest among the groups gnomAD compares: Non-Finnish European, 0.00034%; no homozygotes.

Submissions (3):

Color Diagnostics, LLC DBA Color Health
Classification: Uncertain significance for Hereditary cancer-predisposing syndrome. Last evaluated: 2025-02-03. Review status: criteria provided, single submitter. Criteria: ACMG Guidelines, 2015. Collection method: clinical testing. Allele origin: germline.
Comment: This missense variant replaces tyrosine with asparagine at codon 181 of the PMS2 protein. Computational prediction is inconclusive regarding the impact of this variant on protein structure and function (internally defined REVEL score threshold 0.5 < inconclusive < 0.7, PMID: 27666373). To our knowledge, functional studies have not been reported for this variant. This variant has not been reported in individuals affected with PMS2-related disorders in the literature. This variant has been identified in 1/31382 chromosomes in the general population by the Genome Aggregation Database (gnomAD). The available evidence is insufficient to determine the role of this variant in disease conclusively. Therefore, this variant is classified as a Variant of Uncertain Significance.

Ambry Genetics
Classification: Uncertain significance for Hereditary cancer-predisposing syndrome. Last evaluated: 2024-11-18. Review status: criteria provided, single submitter. Criteria: Ambry Variant Classification Scheme 2023. Collection method: clinical testing. Allele origin: germline.
Comment: The p.Y181N variant (also known as c.541T>A), located in coding exon 6 of the PMS2 gene, results from a T to A substitution at nucleotide position 541. The tyrosine at codon 181 is replaced by asparagine, an amino acid with dissimilar properties. This amino acid position is not well conserved in available vertebrate species. In addition, the in silico prediction for this alteration is inconclusive. Based on the available evidence, the clinical significance of this variant remains unclear.

Labcorp Genetics (formerly Invitae), Labcorp
Classification: Uncertain significance for Hereditary nonpolyposis colorectal neoplasms. Last evaluated: 2021-10-09. Review status: criteria provided, single submitter. Criteria: Invitae Variant Classification Sherloc (09022015). Collection method: clinical testing. Allele origin: germline.
Comment: In summary, the available evidence is currently insufficient to determine the role of this variant in disease. Therefore, it has been classified as a Variant of Uncertain Significance. Algorithms developed to predict the effect of missense changes on protein structure and function are either unavailable or do not agree on the potential impact of this missense change (SIFT: "Deleterious"; PolyPhen-2: "Benign"; Align-GVGD: "Class C55"). This variant has not been reported in the literature in individuals affected with PMS2-related conditions. This variant is not present in population databases (ExAC no frequency). This sequence change replaces tyrosine with asparagine at codon 181 of the PMS2 protein (p.Tyr181Asn). The tyrosine residue is weakly conserved and there is a large physicochemical difference between tyrosine and asparagine.